The following is an entry in ClinVar:

NM_001165963.4(SCN1A):c.1867A>C (p.Ser623Arg)

Gene: SCN1A (sodium voltage-gated channel alpha subunit 1; minus strand). Cytogenetic location: 2q24.3.
Variant type: single nucleotide variant.
Coding change: c.1867A>C on transcript NM_001165963.4 (MANE Select); coding-DNA position 1867, A replaced by C.
Protein change: p.Ser623Arg; replaces serine 623 with arginine.
Molecular consequence: missense variant. On other transcripts: 5 prime UTR variant (1), non-coding transcript variant (1).
Genome position (GRCh38, 1-based): chr2:166,043,845, T>G on the plus strand (A>C on the coding strand, the complement: SCN1A is on the minus strand). VCF-style: chr2-166043845-T-G. GRCh37 (hg19) VCF-style: chr2-166900355-T-G.
Other names: c.1867A>C (NM_001165963.1); c.1867A>C, p.Ser623Arg (NM_001165964.3, NM_001202435.3, NM_001353948.2 and 7 more transcripts); c.1864A>C, p.Ser622Arg (NM_001353954.2, NM_001353955.2, NM_001353960.2); c.-559A>C (NM_001353961.2); short protein forms S623R, S622R.
Identifiers: ClinVar variation 2190586 (VCV002190586.6), dbSNP rs1183164202, ClinGen allele CA349067406.
Genomic context (GRCh38, chr2:166,043,845, plus strand): 5'-TGTGCATCTTCCCATTCGCTGGAAACACTGCCAGCATCCGGGATGACCTACTGGTCTGAC[T>G]CAGGTTGCTGTTGCGTCTCTCTCCGTGTCGTCGGGGCACAAACAAGGAATCTCTACGGCT-3'
Protein context (NP_001159435.1, residues 613-633): RHGERRNSNL[Ser623Arg]QTSRSSRMLA

ClinVar aggregate classification (germline): Uncertain significance. Review status: criteria provided, multiple submitters, no conflicts (2 of 4 stars). 2 submissions from 2 submitters: Uncertain significance (2). Last evaluated 2026-04-08.

Conditions:
Early-infantile DEE. Also called: Early infantile epileptic encephalopathy; Ohtahara syndrome; Early infantile epileptic encephalopathy with suppression bursts. Identifiers: Orphanet 1934, MedGen C0393706, MONDO:0800491.

Allele frequency attached by ClinVar (database versions not stated): TOPMed below 0.00001.

Submissions (2):

GeneDx
Classification: Uncertain significance. Last evaluated: 2026-04-08. Review status: criteria provided, single submitter. Criteria: GeneDx Variant Classification Process June 2021. Collection method: clinical testing. Allele origin: germline.
Comment: Not observed at significant frequency in large population cohorts (gnomAD); This substitution is predicted to be within the cytoplasmic loop between the first and second homologous domains; In silico analysis supports that this missense variant has a deleterious effect on protein structure/function; Has not been previously published as pathogenic or benign to our knowledge

Labcorp Genetics (formerly Invitae), Labcorp
Classification: Uncertain significance for Early-infantile DEE. Last evaluated: 2024-06-12. Review status: criteria provided, single submitter. Criteria: Invitae Variant Classification Sherloc (09022015). Collection method: clinical testing. Allele origin: germline.
Comment: This sequence change replaces serine, which is neutral and polar, with arginine, which is basic and polar, at codon 623 of the SCN1A protein (p.Ser623Arg). This variant is not present in population databases (gnomAD no frequency). This variant has not been reported in the literature in individuals affected with SCN1A-related conditions. ClinVar contains an entry for this variant (Variation ID: 2190586). Advanced modeling of protein sequence and biophysical properties (such as structural, functional, and spatial information, amino acid conservation, physicochemical variation, residue mobility, and thermodynamic stability) has been performed at Invitae for this missense variant, however the output from this modeling did not meet the statistical confidence thresholds required to predict the impact of this variant on SCN1A protein function. In summary, the available evidence is currently insufficient to determine the role of this variant in disease. Therefore, it has been classified as a Variant of Uncertain Significance.